The following is an entry in ClinVar:

NM_176824.3(BBS7):c.1358G>C (p.Arg453Thr)

Gene: BBS7 (Bardet-Biedl syndrome 7; minus strand). Cytogenetic location: 4q27.
Variant type: single nucleotide variant.
Coding change: c.1358G>C on transcript NM_176824.3 (MANE Select); coding-DNA position 1358, G replaced by C.
Protein change: p.Arg453Thr; replaces arginine 453 with threonine.
Molecular consequence: missense variant.
Genome position (GRCh38, 1-based): chr4:121,839,644, C>G on the plus strand (G>C on the coding strand, the complement: BBS7 is on the minus strand). VCF-style: chr4-121839644-C-G. GRCh37 (hg19) VCF-style: chr4-122760799-C-G.
Other names: c.1358G>C, p.Arg453Thr (NM_018190.4); short protein forms R453T.
Identifiers: ClinVar variation 4992411 (VCV004992411.1).

ClinVar aggregate classification (germline): Uncertain significance (1 of 4 stars; one submission).

Conditions:
BBS7-related disorder. Also called: BBS7-related condition.

Submission:

PreventionGenetics, part of Exact Sciences
Classification: Uncertain significance for BBS7-related condition. Last evaluated: 2026-03-23. Review status: criteria provided, single submitter. Criteria: ACMG Guidelines, 2015. Collection method: clinical testing. Allele origin: germline.
Comment: The BBS7 c.1358G>C variant is predicted to result in the amino acid substitution p.Arg453Thr. To our knowledge, this variant has not been reported in the literature or in a large population database (gnomAD), indicating this variant is rare. At this time, the clinical significance of this variant is uncertain due to the absence of conclusive functional and genetic evidence.